The following is an entry in ClinVar:

NM_139318.5(KCNH5):c.1415A>G (p.Gln472Arg)

Gene: KCNH5 (potassium voltage-gated channel subfamily H member 5; minus strand). Cytogenetic location: 14q23.2.
Variant type: single nucleotide variant.
Coding change: c.1415A>G on transcript NM_139318.5 (MANE Select); coding-DNA position 1415, A replaced by G.
Protein change: p.Gln472Arg; replaces glutamine 472 with arginine.
Molecular consequence: missense variant.
Genome position (GRCh38, 1-based): chr14:62,849,807, T>C on the plus strand (A>G on the coding strand, the complement: KCNH5 is on the minus strand). VCF-style: chr14-62849807-T-C. GRCh37 (hg19) VCF-style: chr14-63316525-T-C.
Other names: c.1415A>G, p.Gln472Arg (NM_172375.3); short protein forms Q472R.
Identifiers: ClinVar variation 2104266 (VCV002104266.4), dbSNP rs2502867203, ClinGen allele CA390102546.
Genomic context (GRCh38, chr14:62,849,807, plus strand): 5'-AGGAAGTCCCGTACATTATTCAGCATCTCATGGTATCGGTTGGTGTTGGCATACATTTGC[T>C]GGAAAATTGTTGTAACATTTCCAAAAATAGTTGCATAAAGAAGAGCTGAAAGAGAAGAAA-3'
Protein context (NP_647479.2, residues 462-482): TIFGNVTTIF[Gln472Arg]QMYANTNRYH

ClinVar aggregate classification (germline): Uncertain significance (1 of 4 stars; one submission).

Conditions:
Early-infantile DEE. Also called: Early infantile epileptic encephalopathy; Early infantile epileptic encephalopathy with suppression bursts; Ohtahara syndrome. Identifiers: Orphanet 1934, MedGen C0393706, MONDO:0800491.

Submission:

Labcorp Genetics (formerly Invitae), Labcorp
Classification: Uncertain significance for Early-infantile DEE. Last evaluated: 2024-12-02. Review status: criteria provided, single submitter. Criteria: Invitae Variant Classification Sherloc (09022015). Collection method: clinical testing. Allele origin: germline.
Comment: This sequence change replaces glutamine, which is neutral and polar, with arginine, which is basic and polar, at codon 472 of the KCNH5 protein (p.Gln472Arg). This variant is not present in population databases (gnomAD no frequency). This variant has not been reported in the literature in individuals affected with KCNH5-related conditions. ClinVar contains an entry for this variant (Variation ID: 2104266). Invitae Evidence Modeling of protein sequence and biophysical properties (such as structural, functional, and spatial information, amino acid conservation, physicochemical variation, residue mobility, and thermodynamic stability) indicates that this missense variant is expected to disrupt KCNH5 protein function with a positive predictive value of 95%. In summary, the available evidence is currently insufficient to determine the role of this variant in disease. Therefore, it has been classified as a Variant of Uncertain Significance.